The following is an entry in ClinVar:

ClinVar aggregate classification (germline): Uncertain significance. Review status: criteria provided, multiple submitters, no conflicts (2 of 4 stars). 3 submissions from 3 submitters: Uncertain significance (3). Last evaluated 2024-07-01.

Allele frequency attached by ClinVar (database versions not stated): gnomAD 0.00002; TOPMed 0.00003; ExAC 0.00004; gnomAD exomes 0.00004.
gnomAD v4.1: 58 of 1,611,902 alleles (0.0036%); highest among the groups gnomAD compares: Middle Eastern, 0.02%; no homozygotes.

Submissions (3):

CeGaT Center for Human Genetics Tuebingen
Classification: Uncertain significance. Last evaluated: 2024-07-01. Review status: criteria provided, single submitter. Criteria: CeGaT Center For Human Genetics Tuebingen Variant Classification Criteria Version 2. Collection method: clinical testing. Allele origin: germline. Affected: yes. Observed: 1 variant allele.
Comment: HS6ST1: PP2

Ambry Genetics
Classification: Uncertain significance. Last evaluated: 2024-02-17. Review status: criteria provided, single submitter. Criteria: Ambry Variant Classification Scheme 2023. Collection method: clinical testing. Allele origin: germline.

Labcorp Genetics (formerly Invitae), Labcorp
Classification: Uncertain significance. Last evaluated: 2023-12-25. Review status: criteria provided, single submitter. Criteria: Invitae Variant Classification Sherloc (09022015). Collection method: clinical testing. Allele origin: germline.
Comment: This sequence change replaces threonine, which is neutral and polar, with methionine, which is neutral and non-polar, at codon 234 of the HS6ST1 protein (p.Thr234Met). This variant is present in population databases (rs748170962, gnomAD 0.01%). This variant has not been reported in the literature in individuals affected with HS6ST1-related conditions. Advanced modeling of protein sequence and biophysical properties (such as structural, functional, and spatial information, amino acid conservation, physicochemical variation, residue mobility, and thermodynamic stability) performed at Invitae indicates that this missense variant is not expected to disrupt HS6ST1 protein function with a negative predictive value of 80%. In summary, the available evidence is currently insufficient to determine the role of this variant in disease. Therefore, it has been classified as a Variant of Uncertain Significance.

NM_004807.3(HS6ST1):c.701C>T (p.Thr234Met)

Gene: HS6ST1 (heparan sulfate 6-O-sulfotransferase 1; minus strand). Cytogenetic location: 2q14.3.
Variant type: single nucleotide variant.
Coding change: c.701C>T on transcript NM_004807.3 (MANE Select); coding-DNA position 701, C replaced by T.
Protein change: p.Thr234Met; replaces threonine 234 with methionine.
Molecular consequence: missense variant.
Genome position (GRCh38, 1-based): chr2:128,268,697, G>A on the plus strand (C>T on the coding strand, the complement: HS6ST1 is on the minus strand). VCF-style: chr2-128268697-G-A. GRCh37 (hg19) VCF-style: chr2-129026271-G-A.
Other names: c.701C>T (NM_004807.2); short protein forms T234M.
Identifiers: ClinVar variation 2889774 (VCV002889774.21), dbSNP rs748170962, ClinGen allele CA1867563.